The following is an entry in ClinVar:

NM_001365536.1(SCN9A):c.1276A>G (p.Met426Val)

Genes: SCN1A-AS1 (SCN1A and SCN9A antisense RNA 1; plus strand), SCN9A (sodium voltage-gated channel alpha subunit 9; minus strand). Cytogenetic location: 2q24.3.
Variant type: single nucleotide variant.
Coding change: c.1276A>G on transcript NM_001365536.1 (MANE Select); coding-DNA position 1276, A replaced by G.
Protein change: p.Met426Val; replaces methionine 426 with valine.
Molecular consequence: missense variant.
Genome position (GRCh38, 1-based): chr2:166,288,475, T>C on the plus strand (A>G on the coding strand, the complement: SCN9A is on the minus strand). VCF-style: chr2-166288475-T-C. GRCh37 (hg19) VCF-style: chr2-167144985-T-C.
Other names: c.1276A>G, p.Met426Val (NM_002977.4); short protein forms M426V.
Identifiers: ClinVar variation 3748885 (VCV003748885.2).

ClinVar aggregate classification (germline): Uncertain significance (1 of 4 stars; one submission).

Conditions:
Generalized epilepsy with febrile seizures plus, type 7 (GEFSP7). Also called: GEFS+, TYPE 7. Identifiers: Orphanet 36387, MedGen C2751778, MONDO:0013470, OMIM 613863.
Neuropathy, hereditary sensory and autonomic, type 2A (HSAN2A). Also called: MORVAN DISEASE; NEUROPATHY, CONGENITAL SENSORY; NEUROPATHY, HEREDITARY SENSORY RADICULAR, AUTOSOMAL RECESSIVE; NEUROPATHY, HEREDITARY SENSORY, TYPE IIA; NEUROPATHY, PROGRESSIVE SENSORY, OF CHILDREN; HSAN IIA. Identifiers: Orphanet 970, MedGen C2752089, MONDO:0024309, OMIM 201300.

gnomAD v4.1: 3 of 1,612,758 alleles (0.00019%); highest among the groups gnomAD compares: African/African-American, 0.0013%; no homozygotes.

Submission:

Labcorp Genetics (formerly Invitae), Labcorp
Classification: Uncertain significance for Neuropathy, hereditary sensory and autonomic, type 2A; Generalized epilepsy with febrile seizures plus, type 7. Last evaluated: 2024-07-03. Review status: criteria provided, single submitter. Criteria: Invitae Variant Classification Sherloc (09022015). Collection method: clinical testing. Allele origin: germline.
Comment: This sequence change replaces methionine, which is neutral and non-polar, with valine, which is neutral and non-polar, at codon 426 of the SCN9A protein (p.Met426Val). This variant is present in population databases (no rsID available, gnomAD 0.003%). This variant has not been reported in the literature in individuals affected with SCN9A-related conditions. Advanced modeling of protein sequence and biophysical properties (such as structural, functional, and spatial information, amino acid conservation, physicochemical variation, residue mobility, and thermodynamic stability) performed at Invitae indicates that this missense variant is not expected to disrupt SCN9A protein function with a negative predictive value of 95%. In summary, the available evidence is currently insufficient to determine the role of this variant in disease. Therefore, it has been classified as a Variant of Uncertain Significance.